The following is an entry in ClinVar:

NM_152564.5(VPS13B):c.1440C>A (p.Phe480Leu)

Gene: VPS13B (vacuolar protein sorting 13 homolog B; plus strand). Cytogenetic location: 8q22.2.
Variant type: single nucleotide variant.
Coding change: c.1440C>A on transcript NM_152564.5 (MANE Select); coding-DNA position 1440, C replaced by A.
Protein change: p.Phe480Leu; replaces phenylalanine 480 with leucine.
Molecular consequence: missense variant.
Genome position (GRCh38, 1-based): chr8:99,135,610, C>A. VCF-style: chr8-99135610-C-A. GRCh37 (hg19) VCF-style: chr8-100147838-C-A.
Other names: c.1440C>A, p.Phe480Leu (NM_017890.5, NM_015243.3); short protein forms F480L.
Identifiers: ClinVar variation 1718384 (VCV001718384.5), dbSNP rs141324814, ClinGen allele CA371863122.

ClinVar aggregate classification (germline): Uncertain significance (1 of 4 stars; one submission).

Conditions:
Cohen syndrome (COH1). Also called: PEPPER SYNDROME; Cutis verticis gyrata, retinitis pigmentosa, and sensorineural deafness. Identifiers: Orphanet 193, MedGen C0265223, MONDO:0008999, OMIM 216550.

Submission:

Labcorp Genetics (formerly Invitae), Labcorp
Classification: Uncertain significance for Cohen syndrome. Last evaluated: 2022-08-30. Review status: criteria provided, single submitter. Criteria: Invitae Variant Classification Sherloc (09022015). Collection method: clinical testing. Allele origin: germline.
Comment: In summary, the available evidence is currently insufficient to determine the role of this variant in disease. Therefore, it has been classified as a Variant of Uncertain Significance. Algorithms developed to predict the effect of missense changes on protein structure and function are either unavailable or do not agree on the potential impact of this missense change (SIFT: "Not Available"; PolyPhen-2: "Possibly Damaging"; Align-GVGD: "Not Available"). This variant has not been reported in the literature in individuals affected with VPS13B-related conditions. This variant is not present in population databases (gnomAD no frequency). This sequence change replaces phenylalanine, which is neutral and non-polar, with leucine, which is neutral and non-polar, at codon 480 of the VPS13B protein (p.Phe480Leu).